The following is an entry in ClinVar:

ClinVar aggregate classification (germline): Conflicting classifications of pathogenicity. Review status: criteria provided, conflicting classifications (1 of 4 stars). 2 submissions from 2 submitters: Uncertain significance (1); Likely benign (1). Last evaluated 2023-09-22.

Conditions:
Hereditary cancer-predisposing syndrome. Also called: Neoplastic Syndromes, Hereditary; Hereditary Cancer Syndrome; Tumor predisposition; Hereditary neoplastic syndrome. Identifiers: Orphanet 140162, MedGen C0027672, MeSH D009386, MONDO:0015356.

Allele frequency attached by ClinVar (database versions not stated): gnomAD exomes below 0.00001 and 0.00001; TOPMed below 0.00001; ExAC 0.00002.
gnomAD v4.1: 4 of 1,606,522 alleles (0.00025%); highest among the groups gnomAD compares: Middle Eastern, 0.017%; no homozygotes.

Submissions (2):

Ambry Genetics
Classification: Uncertain significance for Hereditary cancer-predisposing syndrome. Last evaluated: 2023-09-22. Review status: criteria provided, single submitter. Criteria: Ambry Variant Classification Scheme 2023. Collection method: clinical testing. Allele origin: germline.
Comment: The c.-2A>T variant is located in the 5' untranslated region (5&rsquo; UTR) of the CDKN2A (p14ARF) gene. This variant results from an A to T substitution 2 nucleotides upstream from the first translated codon. This nucleotide position is poorly conserved in available vertebrate species. Since supporting evidence is limited at this time, the clinical significance of this alteration remains unclear.

GeneDx
Classification: Likely benign. Last evaluated: 2019-08-20. Review status: criteria provided, single submitter. Criteria: GeneDx Variant Classification Process June 2021. Collection method: clinical testing. Allele origin: germline. Affected: yes.

NM_058195.4(CDKN2A):c.-2A>T

Gene: CDKN2A (cyclin dependent kinase inhibitor 2A; minus strand). Cytogenetic location: 9p21.3.
Variant type: single nucleotide variant.
Coding change: c.-2A>T on transcript NM_058195.4 (MANE Plus Clinical); 2 bases upstream of the start codon, A replaced by T.
Molecular consequence: 5 prime UTR variant. On other transcripts: intron variant (1).
Genome position (GRCh38, 1-based): chr9:21,994,333, T>A on the plus strand (A>T on the coding strand, the complement: CDKN2A is on the minus strand). VCF-style: chr9-21994333-T-A. GRCh37 (hg19) VCF-style: chr9-21994332-T-A.
Other names: c.-4+488A>T (NM_001363763.2).
Identifiers: ClinVar variation 385782 (VCV000385782.6), dbSNP rs764949869, ClinGen allele CA5012404.
Genomic context (GRCh38, chr9:21,994,333, plus strand): 5'-ACTCGCGGCGGGCCGCACGCGCGCCGAATCCGGAGGGTCACCAAGAACCTGCGCACCATG[T>A]TCTCGCCGCCTCCAGGGCCGAGCTCGGCAGCCGCTGCGCCGCCCTTTGGCACCAGAGGTG-3'